The following is an entry in ClinVar:

ClinVar aggregate classification (germline): Uncertain significance (1 of 4 stars; one submission).

Conditions:
Inborn genetic diseases. Identifiers: MedGen C0950123, MeSH D030342.

Submission:

Ambry Genetics
Classification: Uncertain significance for Inborn genetic diseases. Last evaluated: 2024-03-06. Review status: criteria provided, single submitter. Criteria: Ambry Variant Classification Scheme 2023. Collection method: clinical testing. Allele origin: germline.
Comment: The c.26C>T (p.P9L) alteration is located in exon 2 (coding exon 1) of the HMGB1 gene. This alteration results from a C to T substitution at nucleotide position 26, causing the proline (P) at amino acid position 9 to be replaced by a leucine (L). This variant was not reported in population-based cohorts in the Genome Aggregation Database (gnomAD). This amino acid position is highly conserved in available vertebrate species. This missense alteration is located in a region that has a low rate of benign missense variation (Lek, 2016; Firth, 2009). The in silico prediction for this alteration is inconclusive. Based on insufficient or conflicting evidence, the clinical significance of this alteration remains unclear.

NM_002128.7(HMGB1):c.26C>T (p.Pro9Leu)

Gene: HMGB1 (high mobility group box 1; minus strand). Cytogenetic location: 13q12.3.
Variant type: single nucleotide variant.
Coding change: c.26C>T on transcript NM_002128.7 (MANE Select); coding-DNA position 26, C replaced by T.
Protein change: p.Pro9Leu; replaces proline 9 with leucine.
Molecular consequence: missense variant.
Genome position (GRCh38, 1-based): chr13:30,463,655, G>A on the plus strand (C>T on the coding strand, the complement: HMGB1 is on the minus strand). VCF-style: chr13-30463655-G-A. GRCh37 (hg19) VCF-style: chr13-31037792-G-A.
Other names: c.26C>T, p.Pro9Leu (NM_001313892.2, NM_001313893.1, NM_001363661.2 and 3 more transcripts); short protein forms P9L.
Identifiers: ClinVar variation 3106262 (VCV003106262.1), dbSNP rs1555232131, ClinGen allele CA387815511.